The following is an entry in ClinVar:

ClinVar aggregate classification (germline): Pathogenic (1 of 4 stars; one submission).

Conditions:
Hereditary breast ovarian cancer syndrome. Also called: Hereditary breast and ovarian cancer syndrome (HBOC); Hereditary breast and ovarian cancer; BRCA1- and BRCA2-Associated Hereditary Breast and Ovarian Cancer; Hereditary breast and ovarian cancer syndrome; Hereditary breast and/or ovarian cancer syndrome; Breast and ovarian cancer. Identifiers: Orphanet 145, MedGen C0677776, MeSH D061325, MONDO:0003582. Disease mechanism: loss of function.

Submission:

Labcorp Genetics (formerly Invitae), Labcorp
Classification: Pathogenic for Hereditary breast ovarian cancer syndrome. Last evaluated: 2024-03-28. Review status: criteria provided, single submitter. Criteria: Invitae Variant Classification Sherloc (09022015). Collection method: clinical testing. Allele origin: germline.
Comment: This sequence change creates a premature translational stop signal (p.Cys311Metfs*4) in the BRCA2 gene. It is expected to result in an absent or disrupted protein product. Loss-of-function variants in BRCA2 are known to be pathogenic (PMID: 20104584). This variant is not present in population databases (gnomAD no frequency). This variant has not been reported in the literature in individuals affected with BRCA2-related conditions. For these reasons, this variant has been classified as Pathogenic.

Literature cited by the submitters: PubMed 20104584.

NM_000059.4(BRCA2):c.930dup (p.Cys311fs)

Gene: BRCA2 (BRCA2 DNA repair associated; plus strand). Cytogenetic location: 13q13.1.
Variant type: Duplication.
Coding change: c.930dup on transcript NM_000059.4 (MANE Select); coding-DNA position 930, one base duplicated (A; older notation c.930dupA).
Protein change: p.Cys311fs; shifts the reading frame from cysteine 311.
Molecular consequence: frameshift variant. On other transcripts: non-coding transcript variant (1), intron variant (1).
Genome position (GRCh38, 1-based): chr13:32,332,408, A duplicated. VCF-style (leftmost placement, unchanged base first): chr13-32332407-T-TA. GRCh37 (hg19) VCF-style: chr13-32906544-T-TA.
Other names: c.930dup, p.Cys311fs (NM_001406719.1, NM_001406720.1, NM_001406721.1 and 1 more transcripts); c.424+1378dup (NM_001406722.1); short protein forms C311fs.
Identifiers: ClinVar variation 3647403 (VCV003647403.2).